The following is an entry in ClinVar:

NM_139343.3(BIN1):c.858-1290G>A

Gene: BIN1 (bridging integrator 1; minus strand). Cytogenetic location: 2q14.3.
Variant type: single nucleotide variant.
Coding change: c.858-1290G>A on transcript NM_139343.3 (MANE Select); 1290 bases into the intron before coding-DNA position 858, G replaced by A.
Molecular consequence: intron variant.
Genome position (GRCh38, 1-based): chr2:127,060,445, C>T on the plus strand (G>A on the coding strand, the complement: BIN1 is on the minus strand). VCF-style: chr2-127060445-C-T. GRCh37 (hg19) VCF-style: chr2-127818021-C-T.
Other names: c.777-1290G>A (NM_001320642.1); c.693-1290G>A (NM_001320634.1); c.765-1290G>A (NM_139351.3, NM_139350.3, NM_139349.3 and 3 more transcripts); c.809+151G>A (NM_001320632.2, NM_004305.4, NM_139346.3); c.858-1290G>A (NM_001320633.2, NM_139345.3, NM_139344.3 and 1 more transcripts).
Identifiers: ClinVar variation 678251 (VCV000678251.1), dbSNP rs74895054, ClinGen allele CA11290343.

ClinVar aggregate classification (germline): Benign (1 of 4 stars; one submission).

Allele frequency attached by ClinVar (database versions not stated): 1000 Genomes Project 30x 0.10337; 1000 Genomes Project 0.10443; TOPMed 0.10453; gnomAD 0.10894 and 0.11018; gnomAD exomes 0.12440.
gnomAD v4.1: 147,904 of 1,206,966 alleles (12%); highest among the groups gnomAD compares: South Asian, 20%; 10,228 homozygotes.

Submission:

GeneDx
Classification: Benign. Last evaluated: 2018-06-18. Review status: criteria provided, single submitter. Criteria: GeneDx Variant Classification (06012015). Collection method: clinical testing. Allele origin: germline. Affected: yes.
Comment: This variant is considered likely benign or benign based on one or more of the following criteria: it is a conservative change, it occurs at a poorly conserved position in the protein, it is predicted to be benign by multiple in silico algorithms, and/or has population frequency not consistent with disease.